The following is an entry in ClinVar:

ClinVar aggregate classification (germline): Uncertain significance (1 of 4 stars; one submission).

gnomAD v4.1: 28 of 1,537,556 alleles (0.0018%); highest among the groups gnomAD compares: Non-Finnish European, 0.0022%; no homozygotes.

Submission:

Labcorp Genetics (formerly Invitae), Labcorp
Classification: Uncertain significance. Last evaluated: 2025-10-04. Review status: criteria provided, single submitter. Criteria: Invitae Variant Classification Sherloc (09022015). Collection method: clinical testing. Allele origin: germline.
Comment: This sequence change replaces threonine, which is neutral and polar, with arginine, which is basic and polar, at codon 732 of the NAA15 protein (p.Thr732Arg). This variant is present in population databases (rs780219340, gnomAD 0.005%). This variant has not been reported in the literature in individuals affected with NAA15-related conditions. An algorithm developed to predict the effect of missense changes on protein structure and function (PolyPhen-2) suggests that this variant is likely to be tolerated. In summary, the available evidence is currently insufficient to determine the role of this variant in disease. Therefore, it has been classified as a Variant of Uncertain Significance.

NM_057175.5(NAA15):c.2195C>G (p.Thr732Arg)

Gene: NAA15 (N-alpha-acetyltransferase 15, NatA auxiliary subunit; plus strand). Cytogenetic location: 4q31.1.
Variant type: single nucleotide variant.
Coding change: c.2195C>G on transcript NM_057175.5 (MANE Select); coding-DNA position 2195, C replaced by G.
Protein change: p.Thr732Arg; replaces threonine 732 with arginine.
Molecular consequence: missense variant.
Genome position (GRCh38, 1-based): chr4:139,384,871, C>G. VCF-style: chr4-139384871-C-G. GRCh37 (hg19) VCF-style: chr4-140306025-C-G.
Other names: c.2192C>G, p.Thr731Arg (NM_001410842.1); short protein forms T732R, T731R.
Identifiers: ClinVar variation 4750410 (VCV004750410.1).